The following is an entry in ClinVar:

ClinVar aggregate classification (germline): Pathogenic (1 of 4 stars; one submission).

Conditions:
Familial adenomatous polyposis 1 (FAP1). Also called: FAMILIAL ADENOMATOUS POLYPOSIS 1, ATTENUATED; POLYPOSIS, ADENOMATOUS INTESTINAL. Identifiers: MedGen C2713442, MONDO:0021056, OMIM 175100. Disease mechanism: loss of function.

Submission:

Labcorp Genetics (formerly Invitae), Labcorp
Classification: Pathogenic for Familial adenomatous polyposis 1. Last evaluated: 2021-09-14. Review status: criteria provided, single submitter. Criteria: Invitae Variant Classification Sherloc (09022015). Collection method: clinical testing. Allele origin: germline.
Comment: This variant is a gross deletion of the genomic region encompassing the promoter 1B sequence of the APC gene. The 5' end of this event is unknown as it extends beyond the assayed region for this gene, and therefore may encompass additional genes. The 3' boundary is likely confined to the region between promoter 1B and promoter 1A of the APC gene (PMID: 21643010). A similar copy number variant has been observed in individuals with familial adenomatous polyposis (PMID: 21643010, 23725351, 24946964, 25243319). Algorithms developed to predict the effect of variants on protein structure and function are not available or were not evaluated for this variant. Experimental studies have shown that a similar copy number variant affects APC function (PMID: 21643010, 23725351, 25243319). For these reasons, this variant has been classified as Pathogenic.

Literature cited by the submitters: PubMed 21643010; PubMed 23725351; PubMed 24946964; PubMed 25243319.

NC_000005.9:g.(?_112001178)_(112043328_?)del

Gene: APC (APC regulator of Wnt signaling pathway; plus strand). Cytogenetic location: 5q22.2.
Variant type: Deletion.
Identifiers: ClinVar variation 1396836 (VCV001396836.5).